The following is an entry in ClinVar:

ClinVar aggregate classification (germline): Conflicting classifications of pathogenicity. Review status: criteria provided, conflicting classifications (1 of 4 stars). 3 submissions from 3 submitters: Uncertain significance (2); Benign (1). Last evaluated 2024-10-18.

Conditions:
Amyotrophic lateral sclerosis type 4 (ALS4). Also called: NEURONOPATHY, DISTAL HEREDITARY MOTOR, WITH PYRAMIDAL FEATURES; AMYOTROPHIC LATERAL SCLEROSIS 4, JUVENILE. Identifiers: Orphanet 357043, MedGen C1865409, MONDO:0011223, OMIM 602433.
Spinocerebellar ataxia, autosomal recessive, with axonal neuropathy 2 (SCAN2). Also called: ATAXIA-OCULOMOTOR APRAXIA 2; Ataxia-ocular apraxia-2; Ataxia with Oculomotor Apraxia; Ataxia with Oculomotor Apraxia Type 2. Identifiers: Orphanet 64753, MedGen C1853761, MONDO:0018996, OMIM 606002.

Allele frequency attached by ClinVar (database versions not stated): gnomAD exomes 0.00001; ExAC 0.00002; gnomAD 0.00002; TOPMed 0.00003.
gnomAD v4.1: 31 of 1,614,070 alleles (0.0019%); highest among the groups gnomAD compares: Non-Finnish European, 0.0025%; no homozygotes.

Submissions (3):

Labcorp Genetics (formerly Invitae), Labcorp
Classification: Benign for Amyotrophic lateral sclerosis type 4; Spinocerebellar ataxia, autosomal recessive, with axonal neuropathy 2. Last evaluated: 2024-10-18. Review status: criteria provided, single submitter. Criteria: Invitae Variant Classification Sherloc (09022015). Collection method: clinical testing. Allele origin: germline.

GeneDx
Classification: Uncertain significance. Last evaluated: 2023-01-09. Review status: criteria provided, single submitter. Criteria: GeneDx Variant Classification Process June 2021. Collection method: clinical testing. Allele origin: germline. Affected: yes.
Comment: Not observed at significant frequency in large population cohorts (gnomAD); In silico analysis supports that this missense variant has a deleterious effect on protein structure/function; Has not been previously published as pathogenic or benign to our knowledge

Breakthrough Genomics
Classification: Uncertain significance. Review status: criteria provided, single submitter. Criteria: ACMG Guidelines, 2015. Collection method: not provided. Allele origin: germline. Inheritance: Autosomal recessive inheritance. Affected: yes.

NM_015046.7(SETX):c.6668A>G (p.Tyr2223Cys)

Gene: SETX (senataxin; minus strand). Cytogenetic location: 9q34.13.
Variant type: single nucleotide variant.
Coding change: c.6668A>G on transcript NM_015046.7 (MANE Select); coding-DNA position 6668, A replaced by G.
Protein change: p.Tyr2223Cys; replaces tyrosine 2223 with cysteine.
Molecular consequence: missense variant.
Genome position (GRCh38, 1-based): chr9:132,278,244, T>C on the plus strand (A>G on the coding strand, the complement: SETX is on the minus strand). VCF-style: chr9-132278244-T-C. GRCh37 (hg19) VCF-style: chr9-135153631-T-C.
Other names: c.6668A>G, p.Tyr2223Cys (NM_001351527.2, NM_001351528.2); short protein forms Y2223C.
Identifiers: ClinVar variation 944268 (VCV000944268.11), dbSNP rs747913385, ClinGen allele CA5296646.